The following is an entry in ClinVar:

NM_001040142.2(SCN2A):c.1148A>T (p.Gln383Leu)

Gene: SCN2A (sodium voltage-gated channel alpha subunit 2; plus strand). Cytogenetic location: 2q24.3.
Variant type: single nucleotide variant.
Coding change: c.1148A>T on transcript NM_001040142.2 (MANE Select); coding-DNA position 1148, A replaced by T.
Protein change: p.Gln383Leu; replaces glutamine 383 with leucine.
Molecular consequence: missense variant.
Genome position (GRCh38, 1-based): chr2:165,313,733, A>T. VCF-style: chr2-165313733-A-T. GRCh37 (hg19) VCF-style: chr2-166170243-A-T.
Other names: c.1148A>T, p.Gln383Leu (NM_001040143.2, NM_001371246.1, NM_001371247.1 and 1 more transcripts); short protein forms Q383L.
Identifiers: ClinVar variation 1514630 (VCV001514630.8), dbSNP rs2105255430, ClinGen allele CA349021149.

ClinVar aggregate classification (germline): Likely pathogenic (1 of 4 stars; one submission).

Conditions:
Seizures, benign familial infantile, 3 (BFIS3). Also called: Familial neonatal seizures; CONVULSIONS, BENIGN FAMILIAL INFANTILE, 3. Identifiers: Orphanet 140927, Orphanet 306, MedGen C1843140, MONDO:0011904, OMIM 607745.
Developmental and epileptic encephalopathy, 11 (DEE11). Also called: Early infantile epileptic encephalopathy 11. Identifiers: Orphanet 1934, MedGen C3150987, MONDO:0013388, OMIM 613721.

Submission:

Labcorp Genetics (formerly Invitae), Labcorp
Classification: Likely pathogenic for Seizures, benign familial infantile, 3; Developmental and epileptic encephalopathy, 11. Last evaluated: 2024-05-15. Review status: criteria provided, single submitter. Criteria: Invitae Variant Classification Sherloc (09022015). Collection method: clinical testing. Allele origin: germline.
Comment: This sequence change replaces glutamine, which is neutral and polar, with leucine, which is neutral and non-polar, at codon 383 of the SCN2A protein (p.Gln383Leu). This variant is not present in population databases (gnomAD no frequency). This variant has not been reported in the literature in individuals affected with SCN2A-related conditions. ClinVar contains an entry for this variant (Variation ID: 1514630). Advanced modeling of protein sequence and biophysical properties (such as structural, functional, and spatial information, amino acid conservation, physicochemical variation, residue mobility, and thermodynamic stability) performed at Invitae indicates that this missense variant is expected to disrupt SCN2A protein function with a positive predictive value of 95%. Algorithms developed to predict the effect of sequence changes on RNA splicing suggest that this variant may disrupt the consensus splice site. This variant disrupts the p.Gln383 amino acid residue in SCN2A. Other variant(s) that disrupt this residue have been determined to be pathogenic (PMID: 27781028; Invitae). This suggests that this residue is clinically significant, and that variants that disrupt this residue are likely to be disease-causing. In summary, the currently available evidence indicates that the variant is pathogenic, but additional data are needed to prove that conclusively. Therefore, this variant has been classified as Likely Pathogenic.

Literature cited by the submitters: PubMed 27781028.